The following is an entry in ClinVar:

ClinVar aggregate classification (germline): Uncertain significance. Review status: criteria provided, multiple submitters, no conflicts (2 of 4 stars). 2 submissions from 2 submitters: Uncertain significance (2). Last evaluated 2025-09-13.

Conditions:
DICER1-related tumor predisposition. Also called: DICER1 syndrome; DICER1-related pleuropulmonary blastoma cancer predisposition syndrome. Identifiers: Orphanet 284343, MedGen C3839822, MONDO:0100216.
Hereditary cancer-predisposing syndrome. Also called: Neoplastic Syndromes, Hereditary; Hereditary Cancer Syndrome; Tumor predisposition; Hereditary neoplastic syndrome. Identifiers: Orphanet 140162, MedGen C0027672, MeSH D009386, MONDO:0015356.

Submissions (2):

Ambry Genetics
Classification: Uncertain significance for Hereditary cancer-predisposing syndrome. Last evaluated: 2025-09-13. Review status: criteria provided, single submitter. Criteria: Ambry Variant Classification Scheme 2023. Collection method: clinical testing. Allele origin: germline.
Comment: The p.K568R variant (also known as c.1703A>G), located in coding exon 9 of the DICER1 gene, results from an A to G substitution at nucleotide position 1703. The lysine at codon 568 is replaced by arginine, an amino acid with highly similar properties. This amino acid position is conserved. In addition, this alteration is predicted to be tolerated by in silico analysis. Based on the available evidence, the clinical significance of this variant remains unclear.

Labcorp Genetics (formerly Invitae), Labcorp
Classification: Uncertain significance for DICER1-related tumor predisposition. Last evaluated: 2025-06-15. Review status: criteria provided, single submitter. Criteria: Invitae Variant Classification Sherloc (09022015). Collection method: clinical testing. Allele origin: germline.
Comment: This sequence change replaces lysine, which is basic and polar, with arginine, which is basic and polar, at codon 568 of the DICER1 protein (p.Lys568Arg). This variant is not present in population databases (gnomAD no frequency). This variant has not been reported in the literature in individuals affected with DICER1-related conditions. ClinVar contains an entry for this variant (Variation ID: 581752). Invitae Evidence Modeling of protein sequence and biophysical properties (such as structural, functional, and spatial information, amino acid conservation, physicochemical variation, residue mobility, and thermodynamic stability) indicates that this missense variant is not expected to disrupt DICER1 protein function with a negative predictive value of 95%. In summary, the available evidence is currently insufficient to determine the role of this variant in disease. Therefore, it has been classified as a Variant of Uncertain Significance.

NM_177438.3(DICER1):c.1703A>G (p.Lys568Arg)

Gene: DICER1 (dicer 1, ribonuclease III; minus strand). Cytogenetic location: 14q32.13.
Variant type: single nucleotide variant.
Coding change: c.1703A>G on transcript NM_177438.3 (MANE Select); coding-DNA position 1703, A replaced by G.
Protein change: p.Lys568Arg; replaces lysine 568 with arginine.
Molecular consequence: missense variant.
Genome position (GRCh38, 1-based): chr14:95,116,502, T>C on the plus strand (A>G on the coding strand, the complement: DICER1 is on the minus strand). VCF-style: chr14-95116502-T-C. GRCh37 (hg19) VCF-style: chr14-95582839-T-C.
Other names: c.1703A>G, p.Lys568Arg (NM_001195573.1, NM_001271282.3, NM_001291628.2 and 1 more transcripts); short protein forms K568R.
Identifiers: ClinVar variation 581752 (VCV000581752.11), dbSNP rs1566790127, ClinGen allele CA390884757.